The following is an entry in ClinVar:

NM_006348.5(COG5):c.1916G>A (p.Gly639Asp)

Gene: COG5 (component of oligomeric golgi complex 5; minus strand). Cytogenetic location: 7q22.3.
Variant type: single nucleotide variant.
Coding change: c.1916G>A on transcript NM_006348.5 (MANE Select); coding-DNA position 1916, G replaced by A.
Protein change: p.Gly639Asp; replaces glycine 639 with aspartic acid.
Molecular consequence: missense variant. On other transcripts: intron variant (1).
Genome position (GRCh38, 1-based): chr7:107,236,625, C>T on the plus strand (G>A on the coding strand, the complement: COG5 is on the minus strand). VCF-style: chr7-107236625-C-T. GRCh37 (hg19) VCF-style: chr7-106877070-C-T.
Other names: c.1916G>A, p.Gly639Asp (NM_001161520.2, NM_001379513.1); c.1754G>A, p.Gly585Asp (NM_001379511.1); c.1742G>A, p.Gly581Asp (NM_001379512.1); c.1346G>A, p.Gly449Asp (NM_001379515.1); c.1202G>A, p.Gly401Asp (NM_001379516.1); c.1853G>A, p.Gly618Asp (NM_181733.4); c.1853+11771G>A (NM_001379514.1); short protein forms G449D, G585D, G581D, G639D, G618D, G401D.
Identifiers: ClinVar variation 1404971 (VCV001404971.6), dbSNP rs757204685, ClinGen allele CA368939702.

ClinVar aggregate classification (germline): Uncertain significance (1 of 4 stars; one submission).

Conditions:
COG5-congenital disorder of glycosylation. Also called: CONGENITAL DISORDER OF GLYCOSYLATION, TYPE IIi; CDG IIi; COG5-CDG. Identifiers: Orphanet 263487, MedGen C3150876, MONDO:0013325, OMIM 613612.

gnomAD v4.1: 1 of 1,614,096 alleles (0.000062%); highest among the groups gnomAD compares: Non-Finnish European, 0.000085%; no homozygotes.

Submission:

Labcorp Genetics (formerly Invitae), Labcorp
Classification: Uncertain significance for COG5-congenital disorder of glycosylation. Last evaluated: 2022-02-24. Review status: criteria provided, single submitter. Criteria: Invitae Variant Classification Sherloc (09022015). Collection method: clinical testing. Allele origin: germline.
Comment: In summary, the available evidence is currently insufficient to determine the role of this variant in disease. Therefore, it has been classified as a Variant of Uncertain Significance. Algorithms developed to predict the effect of missense changes on protein structure and function (SIFT, PolyPhen-2, Align-GVGD) all suggest that this variant is likely to be tolerated. This variant has not been reported in the literature in individuals affected with COG5-related conditions. This variant is not present in population databases (gnomAD no frequency). This sequence change replaces glycine, which is neutral and non-polar, with aspartic acid, which is acidic and polar, at codon 670 of the COG5 protein (p.Gly670Asp).